The following is an entry in ClinVar:

NM_000138.5(FBN1):c.7412C>G (p.Pro2471Arg)

Gene: FBN1 (fibrillin 1; minus strand). Cytogenetic location: 15q21.1.
Variant type: single nucleotide variant.
Coding change: c.7412C>G on transcript NM_000138.5 (MANE Select); coding-DNA position 7412, C replaced by G.
Protein change: p.Pro2471Arg; replaces proline 2471 with arginine.
Molecular consequence: missense variant.
Genome position (GRCh38, 1-based): chr15:48,425,410, G>C on the plus strand (C>G on the coding strand, the complement: FBN1 is on the minus strand). VCF-style: chr15-48425410-G-C. GRCh37 (hg19) VCF-style: chr15-48717607-G-C.
Other names: p.P2471R:CCG>CGG; short protein forms P2471R.
Identifiers: ClinVar variation 36115 (VCV000036115.34), dbSNP rs193922233, ClinGen allele CA017196.

ClinVar aggregate classification (germline): Conflicting classifications of pathogenicity. Review status: criteria provided, conflicting classifications (1 of 4 stars). 12 submissions from 12 submitters: Pathogenic (1); Likely pathogenic (2); Uncertain significance (6). 3 of the submissions do not count toward it. Last evaluated 2026-09-23.

Conditions:
Geleophysic dysplasia 2 (GPHYSD2). Identifiers: Orphanet 2623, MedGen C3280054, MONDO:0013612, OMIM 614185.
Progeroid and marfanoid aspect-lipodystrophy syndrome. Also called: MARFANOID-PROGEROID SYNDROME; MARFAN-PROGEROID-LIPODYSTROPHY SYNDROME; Marfan lipodystrophy syndrome; MARFANOID-PROGEROID-LIPODYSTROPHY SYNDROME. Identifiers: Orphanet 300382, MedGen C4310796, MONDO:0014831, OMIM 616914.
Acromicric dysplasia (ACMICD). Also called: Acromicric skeletal dysplasia. Identifiers: Orphanet 969, MedGen C0265287, MONDO:0007055, OMIM 102370.
Weill-Marchesani syndrome 2, dominant. Also called: Weill-Marchesani Syndrome, Autosomal Dominant; FBN1-Related Weill-Marchesani Syndrome. Identifiers: Orphanet 2084, MedGen C1869115, MONDO:0012013, OMIM 608328.
MASS syndrome (OCTD). Also called: MASS PHENOTYPE; OVERLAP CONNECTIVE TISSUE DISEASE. Identifiers: MedGen C1858556, MONDO:0011431, OMIM 604308.
Ectopia lentis 1, isolated, autosomal dominant (ECTOL1). Identifiers: Orphanet 1885, MedGen C3541518, MONDO:0007514, OMIM 129600.
Stiff skin syndrome (SSKS). Identifiers: Orphanet 2833, MedGen C1861456, MONDO:0008492, OMIM 184900.
Marfan syndrome (MFS). Also called: FBN1-Related Marfan Syndrome; Marfan syndrome, classic; MARFAN SYNDROME, TYPE I; Marfan syndrome type 1; Marfan's syndrome. Identifiers: Orphanet 284963, Orphanet 558, MedGen C0024796, MONDO:0007947, OMIM 154700.
Familial thoracic aortic aneurysm and aortic dissection (TAAD). Also called: Thoracic aortic aneurysms and dissections. Identifiers: Orphanet 91387, MedGen C4707243, MONDO:0019625.

Allele frequency attached by ClinVar (database versions not stated): gnomAD 0.00006; ExAC 0.00002; TOPMed 0.00004.
gnomAD v4.1: 41 of 1,614,000 alleles (0.0025%); highest among the groups gnomAD compares: Admixed American, 0.012%; no homozygotes.

Submissions (12):

GeneDx
Classification: Uncertain significance. Last evaluated: 2026-09-23. Review status: criteria provided, single submitter. Criteria: GeneDx Variant Classification Process June 2021. Collection method: clinical testing. Allele origin: germline.
Comment: Segregated with disease in some affected relatives, but the variant was absent in other affected relatives (PMID: 25652356); Although located in a calcium-binding EGF-like domain of the FBN1gene, it does not affect a cysteine residue within this domain; cysteine substitutions in the calcium-binding EGF-like domains represent the majority of pathogenic missense changes associated with FBN1-related disorders (PMID: 12938084); In silico analysis supports that this missense variant has a deleterious effect on protein structure/function; This variant is associated with the following publications: (PMID: 28391405, 31019026, 26017485, 28941062, 25644172, PuppoMoreno2023, 25652356, 32277046, 12938084)

Ambry Genetics
Classification: Uncertain significance for Familial thoracic aortic aneurysm and aortic dissection. Last evaluated: 2026-05-11. Review status: criteria provided, single submitter. Criteria: Ambry Variant Classification Scheme 2023. Collection method: clinical testing. Allele origin: germline.
Comment: The c.7412C>G (p.P2471R) alteration is located in exon 60 (coding exon 59) of the FBN1 gene. This alteration results from a C to G substitution at nucleotide position 7412, causing the proline (P) at amino acid position 2471 to be replaced by an arginine (R). Based on data from gnomAD, the G allele has an overall frequency of 0.003% (7/282756) total alleles studied. The highest observed frequency was 0.009% (3/35434) of Latino alleles. This variant was reported in individual(s) with features consistent with Marfan syndrome (Campens, 2015; Baudhuin, 2015; Gago-D&iacute;az, 2017; Vatti, 2017; Puppo Moreno, 2023; Han, 2024). This amino acid position is highly conserved in available vertebrate species. This alteration is predicted to be deleterious by in silico analysis. Based on insufficient or conflicting evidence, the clinical significance of this alteration remains unclear.

Labcorp Genetics (formerly Invitae), Labcorp
Classification: Pathogenic for Marfan syndrome; Familial thoracic aortic aneurysm and aortic dissection. Last evaluated: 2026-01-07. Review status: criteria provided, single submitter. Criteria: Invitae Variant Classification Sherloc (09022015). Collection method: clinical testing. Allele origin: germline.
Comment: This sequence change replaces proline, which is neutral and non-polar, with arginine, which is basic and polar, at codon 2471 of the FBN1 protein (p.Pro2471Arg). This variant is present in population databases (rs193922233, gnomAD 0.009%). This missense change has been observed in individuals with clinical features of FBN1-related conditions (PMID: 25644172, 25652356, 26017485, 28941062; internal data). ClinVar contains an entry for this variant (Variation ID: 36115). Invitae Evidence Modeling of protein sequence and biophysical properties (such as structural, functional, and spatial information, amino acid conservation, physicochemical variation, residue mobility, and thermodynamic stability) indicates that this missense variant is expected to disrupt FBN1 protein function with a positive predictive value of 95%. This variant disrupts the p.Pro2471 amino acid residue in FBN1. Other variant(s) that disrupt this residue have been determined to be pathogenic (PMID: 27906200). This suggests that this residue is clinically significant, and that variants that disrupt this residue are likely to be disease-causing. For these reasons, this variant has been classified as Pathogenic.

Color Diagnostics, LLC DBA Color Health
Classification: Likely pathogenic for Familial thoracic aortic aneurysm and aortic dissection. Last evaluated: 2025-06-04. Review status: criteria provided, single submitter. Criteria: ACMG Guidelines, 2015. Collection method: clinical testing. Allele origin: germline.
Comment: This missense variant replaces proline with arginine at codon 2471 calcium-binding EGF-like motif 42 of the FBN1 protein. Computational prediction suggests that this variant may have a deleterious impact on protein structure and function. To our knowledge, functional studies have not been reported for this variant. This variant has been reported in at least 6 probands affected with Marfan syndrome, thoracic aortic aneurysm and aortic dissection, abdominal aortic aneurysm, or other FBN-related conditions (PMID: 25652356, 25644172, 26017485, 28391405, 28941062, 36307044, ClinVar SCV000544932.8). This variant was identified in two related individuals in one family, where one affected relative did not carry this variant (PMID: 25652356). This variant has been identified in 7/282756 chromosomes in the general population by the Genome Aggregation Database (gnomAD) and in several unaffected individuals at this laboratory. Based on the available evidence, this variant is classified as Likely Pathogenic and may exhibit reduced penetrance or variable expressivity.

Dasa
Classification: Uncertain significance. Last evaluated: 2025-05-16. Review status: criteria provided, single submitter. Criteria: DASA Assertion Criteria. Collection method: clinical testing. Allele origin: germline.
Comment: NM_000138.5(FBN1):c.7412C>G (p.Pro2471Arg) is a missense variant that results in the substitution of proline with arginine. This variant has been recurrently observed in individuals with related phenotype (PMID: 25644172; PMID: 25652356; PMID: 26017485; PMID: 28941062). Multiple computational predictions support a deleterious effect on the gene or gene product. Based on the available data, this variant is classified as variant of uncertain significance.

Women's Health and Genetics/Laboratory Corporation of America, LabCorp
Classification: Uncertain significance. Last evaluated: 2024-01-09. Review status: criteria provided, single submitter. Criteria: LabCorp Variant Classification Summary - May 2015. Collection method: clinical testing. Allele origin: germline.
Comment: Variant summary: FBN1 c.7412C>G (p.Pro2471Arg) results in a non-conservative amino acid change located in an EGF-like repeat domain (IPR000742) of the encoded protein sequence. Five of five in-silico tools predict a damaging effect of the variant on protein function. The variant allele was found at a frequency of 2.5e-05 in 1,614,000 control chromosomes (gnomAD v4.1 dataset). This frequency is not higher than the estimated maximum expected for a pathogenic variant in FBN1 causing Marfan Syndrome (0.00011), allowing no conclusion about variant significance. c.7412C>G has been reported in the literature in individuals affected with suspected Marfan Syndrome (MS) and MS-related conditions including abdominal aortic aneurysm, thoracic aortic disease, mitral prolapse and ectopia lentis (e.g. Baudhuin_2015, van de Luijtgaarden_2015, Campens_2015, Vatti_2017, Gago-Diaz_2017, Clark_2019). However, in some of these cases co-occurring variants could potentially explain the phenotype (Vatti_2017, van Wjingaarden_2020), although an additive effect of these variants cannot be excluded. These reports do not provide unequivocal conclusions about association of the variant with Marfan Syndrome. To our knowledge, no experimental evidence demonstrating an impact on protein function has been reported. The following publications have been ascertained in the context of this evaluation (PMID: 25652356, 25644172, 31019026, 28391405, 28941062, 32277046, 26017485). ClinVar contains an entry for this variant (Variation ID: 36115). Based on the evidence outlined above, the variant was classified as uncertain significance.

Department of Pathology and Laboratory Medicine, Sinai Health System
Classification: Likely pathogenic for MASS syndrome; Geleophysic dysplasia 2; Ectopia lentis 1, isolated, autosomal dominant; Progeroid and marfanoid aspect-lipodystrophy syndrome; Marfan syndrome; Weill-Marchesani syndrome 2, dominant; Acromicric dysplasia; Stiff skin syndrome. Last evaluated: 2023-10-25. Review status: criteria provided, single submitter. Criteria: ACMG Guidelines, 2015. Collection method: research. Allele origin: germline.

Fulgent Genetics
Classification: Uncertain significance for Acromicric dysplasia; Ectopia lentis 1, isolated, autosomal dominant; Marfan syndrome; Stiff skin syndrome; MASS syndrome; Weill-Marchesani syndrome 2, dominant; Geleophysic dysplasia 2; Progeroid and marfanoid aspect-lipodystrophy syndrome. Last evaluated: 2021-11-02. Review status: criteria provided, single submitter. Criteria: ACMG Guidelines, 2015. Collection method: clinical testing. Allele origin: unknown.

Blueprint Genetics
Classification: Uncertain significance. Last evaluated: 2021-04-12. Review status: criteria provided, single submitter. Criteria: ACMG Guidelines, 2015. Collection method: clinical testing. Allele origin: germline.

Center for Medical Genetics Ghent, University of Ghent
Classification: Uncertain significance for Marfan syndrome. Last evaluated: 2017-11-07. Review status: no assertion criteria provided. Collection method: clinical testing. Allele origin: germline. Affected: yes. Not counted in ClinVar's aggregate classification.

Clinical Genetics DNA and cytogenetics Diagnostics Lab, Erasmus MC, Erasmus Medical Center
Classification: Uncertain significance. Review status: no assertion criteria provided. Collection method: clinical testing. Allele origin: germline. Affected: yes. Study: VKGL Data-share Consensus. Not counted in ClinVar's aggregate classification.

Laboratory of Diagnostic Genome Analysis, Leiden University Medical Center (LUMC)
Classification: Uncertain significance. Review status: no assertion criteria provided. Collection method: clinical testing. Allele origin: germline. Affected: yes. Study: VKGL Data-share Consensus. Not counted in ClinVar's aggregate classification.

Literature cited by the submitters: PubMed 25644172 (cited by 5 submitters); PubMed 25652356 (cited by 5 submitters); PubMed 28391405 (cited by 3 submitters); PubMed 28941062 (cited by 5 submitters); PubMed 36307044 (cited by Ambry Genetics and Color Diagnostics, LLC DBA Color Health); PubMed 38958168 (cited by Ambry Genetics); PubMed 26017485 (cited by 4 submitters); PubMed 27906200 (cited by Labcorp Genetics (formerly Invitae), Labcorp); PubMed 31019026 (cited by Women's Health and Genetics/Laboratory Corporation of America, LabCorp); PubMed 32277046 (cited by Women's Health and Genetics/Laboratory Corporation of America, LabCorp).